The following is an entry in ClinVar:

ClinVar aggregate classification (germline): Uncertain significance (0 of 4 stars; one submission).

Conditions:
Prostate cancer. Also called: Malignant tumor of prostate. Identifiers: Orphanet 1331, MedGen C0376358, MONDO:0008315, HP:0012125.

Submission:

Science for Life laboratory,  Karolinska Institutet
Classification: Uncertain significance for Malignant tumor of prostate. Review status: no assertion criteria provided. Collection method: not provided. Allele origin: somatic.
Comment: TumorID:SWE-92B
ClinVar note: Converted during submission from Unknown to Uncertain significance.

NM_020786.4(PDP2):c.890A>G (p.Asn297Ser)

Gene: PDP2 (pyruvate dehydrogenase phosphatase catalytic subunit 2; plus strand). Cytogenetic location: 16q22.1.
Variant type: single nucleotide variant.
Coding change: c.890A>G on transcript NM_020786.4 (MANE Select); coding-DNA position 890, A replaced by G.
Protein change: p.Asn297Ser; replaces asparagine 297 with serine.
Molecular consequence: missense variant.
Genome position (GRCh38, 1-based): chr16:66,885,174, A>G. VCF-style: chr16-66885174-A-G. GRCh37 (hg19) VCF-style: chr16-66919077-A-G.
Other names: c.890A>G, p.Asn297Ser (NM_001329928.2, NM_001329929.2, NM_001329930.2 and 4 more transcripts); short protein forms N297S.
Identifiers: ClinVar variation 161736 (VCV000161736.2), dbSNP rs193921129, ClinGen allele CA174692.